The following is an entry in ClinVar:

ClinVar aggregate classification (germline): Likely benign (0 of 4 stars; one submission).

Conditions:
PUS3-related disorder. Also called: PUS3-related condition.

Allele frequency attached by ClinVar (database versions not stated): TOPMed below 0.00001; gnomAD 0.00001; ExAC 0.00002; ESP Exome Variant Server 0.00015.
gnomAD v4.1: 11 of 1,614,052 alleles (0.00068%); highest among the groups gnomAD compares: African/African-American, 0.0013%; no homozygotes.

Submission:

PreventionGenetics, part of Exact Sciences
Classification: Likely benign for PUS3-related condition. Last evaluated: 2020-06-05. Review status: no assertion criteria provided. Collection method: clinical testing. Allele origin: germline.
Comment: This variant is classified as likely benign based on ACMG/AMP sequence variant interpretation guidelines (Richards et al. 2015 PMID: 25741868, with internal and published modifications).

NM_031307.4(PUS3):c.660T>C (p.His220=)

Genes: HYLS1 (HYLS1 centriolar and ciliogenesis associated; plus strand), PUS3 (pseudouridine synthase 3; minus strand). Cytogenetic location: 11q24.2.
Variant type: single nucleotide variant.
Coding change: c.660T>C on transcript NM_031307.4 (MANE Select); coding-DNA position 660, T replaced by C.
Protein change: p.His220=; no amino-acid change (histidine 220 retained).
Molecular consequence: synonymous variant. On other transcripts: intron variant (5).
Genome position (GRCh38, 1-based): chr11:125,895,508, A>G on the plus strand (T>C on the coding strand, the complement: PUS3 is on the minus strand). VCF-style: chr11-125895508-A-G. GRCh37 (hg19) VCF-style: chr11-125765403-A-G.
Other names: c.36T>C, p.His12= (NM_001271985.2); c.-80-3596A>G (NM_145014.3); c.-25-3836A>G (NM_001134793.2, NM_001377269.1); c.-22-3839A>G (NM_001424364.1, NM_001377270.1).
Identifiers: ClinVar variation 3036439 (VCV003036439.2), dbSNP rs367946467, ClinGen allele CA6350467.